The following is an entry in ClinVar:

NM_001048174.2(MUTYH):c.1506T>G (p.Asp502Glu)

Gene: MUTYH (mutY DNA glycosylase; minus strand). Cytogenetic location: 1p34.1.
Variant type: single nucleotide variant.
Coding change: c.1506T>G on transcript NM_001048174.2 (MANE Select); coding-DNA position 1506, T replaced by G.
Protein change: p.Asp502Glu; replaces aspartic acid 502 with glutamic acid.
Molecular consequence: missense variant. On other transcripts: non-coding transcript variant (7).
Genome position (GRCh38, 1-based): chr1:45,329,366, A>C on the plus strand (T>G on the coding strand, the complement: MUTYH is on the minus strand). VCF-style: chr1-45329366-A-C. GRCh37 (hg19) VCF-style: chr1-45795038-A-C.
Other names: c.1506T>G, p.Asp502Glu (NM_001048171.2, NM_001048173.2, NM_001293195.2 and 6 more transcripts); c.1509T>G, p.Asp503Glu (NM_001048172.2, NM_001407071.1, NM_001407078.1 and 1 more transcripts); c.1590T>G, p.Asp530Glu (NM_001128425.2); c.1551T>G, p.Asp517Glu (NM_001293190.2); c.1539T>G, p.Asp513Glu (NM_001293191.2, NM_001407069.1, NM_001407077.1); c.1230T>G, p.Asp410Glu (NM_001293192.2, NM_001293196.2, NM_001407091.1); c.1161T>G, p.Asp387Glu (NM_001350650.2, NM_001350651.2, NM_001407082.1); c.1422T>G, p.Asp474Glu (NM_001407075.1); and 5 more; short protein forms D387E, D410E, D527E, D474E, D489E, D517E, D502E, D513E.
Identifiers: ClinVar variation 4113404 (VCV004113404.1).

ClinVar aggregate classification (germline): Uncertain significance (1 of 4 stars; one submission).

Conditions:
Hereditary cancer-predisposing syndrome. Also called: Tumor predisposition; Neoplastic Syndromes, Hereditary; Hereditary neoplastic syndrome; Hereditary Cancer Syndrome. Identifiers: Orphanet 140162, MedGen C0027672, MeSH D009386, MONDO:0015356.

Submission:

Ambry Genetics
Classification: Uncertain significance for Hereditary cancer-predisposing syndrome. Last evaluated: 2025-08-27. Review status: criteria provided, single submitter. Criteria: Ambry Variant Classification Scheme 2023. Collection method: clinical testing. Allele origin: germline.
Comment: The p.D530E variant (also known as c.1590T>G), located in coding exon 16 of the MUTYH gene, results from a T to G substitution at nucleotide position 1590. The aspartic acid at codon 530 is replaced by glutamic acid, an amino acid with highly similar properties. This amino acid position is conserved. In addition, this alteration is predicted to be tolerated by in silico analysis. Based on the available evidence, the clinical significance of this variant remains unclear.